The following is an entry in ClinVar:

ClinVar aggregate classification (germline): Benign (1 of 4 stars; one submission).

Conditions:
Melanoma-pancreatic cancer syndrome. Identifiers: Orphanet 404560, MedGen C1838547, MONDO:0011713, OMIM 606719. Disease mechanism: loss of function.

gnomAD v4.1: 1 of 1,606,288 alleles (0.000062%); highest among the groups gnomAD compares: Non-Finnish European, 0.000085%; no homozygotes.

Submission:

Myriad Genetics, Inc.
Classification: Benign for Melanoma-pancreatic cancer syndrome. Last evaluated: 2025-08-12. Review status: criteria provided, single submitter. Criteria: Myriad Autosomal Dominant, Autosomal Recessive and X-Linked Classification Criteria (2023). Collection method: clinical testing. Allele origin: unknown.
Comment: This variant is considered benign. This variant is a silent/synonymous amino acid change and it is not expected to impact splicing.

NM_058195.4(CDKN2A):c.96G>C (p.Gly32=)

Gene: CDKN2A (cyclin dependent kinase inhibitor 2A; minus strand). Cytogenetic location: 9p21.3.
Variant type: single nucleotide variant.
Coding change: c.96G>C on transcript NM_058195.4 (MANE Plus Clinical); coding-DNA position 96, G replaced by C.
Protein change: p.Gly32=; no amino-acid change (glycine 32 retained).
Molecular consequence: synonymous variant. On other transcripts: intron variant (1).
Genome position (GRCh38, 1-based): chr9:21,994,236, C>G on the plus strand (G>C on the coding strand, the complement: CDKN2A is on the minus strand). VCF-style: chr9-21994236-C-G. GRCh37 (hg19) VCF-style: chr9-21994235-C-G.
Other names: c.-4+585G>C (NM_001363763.2).
Identifiers: ClinVar variation 4294193 (VCV004294193.1).